The following is an entry in ClinVar:

ClinVar aggregate classification (germline): Uncertain significance (1 of 4 stars; one submission).

Conditions:
Hereditary cancer-predisposing syndrome. Also called: Tumor predisposition; Hereditary Cancer Syndrome; Hereditary neoplastic syndrome; Neoplastic Syndromes, Hereditary. Identifiers: Orphanet 140162, MedGen C0027672, MeSH D009386, MONDO:0015356.

Submission:

Ambry Genetics
Classification: Uncertain significance for Hereditary cancer-predisposing syndrome. Last evaluated: 2024-05-03. Review status: criteria provided, single submitter. Criteria: Ambry Variant Classification Scheme 2023. Collection method: clinical testing. Allele origin: germline.
Comment: The p.E233G variant (also known as c.698A>G), located in coding exon 4 of the MSH3 gene, results from an A to G substitution at nucleotide position 698. The glutamic acid at codon 233 is replaced by glycine, an amino acid with similar properties. This amino acid position is highly conserved in available vertebrate species. In addition, this alteration is predicted to be deleterious by in silico analysis. Based on the available evidence, the clinical significance of this variant remains unclear.

NM_002439.5(MSH3):c.698A>G (p.Glu233Gly)

Gene: MSH3 (mutS homolog 3; plus strand). Cytogenetic location: 5q14.1.
Variant type: single nucleotide variant.
Coding change: c.698A>G on transcript NM_002439.5 (MANE Select); coding-DNA position 698, A replaced by G.
Protein change: p.Glu233Gly; replaces glutamic acid 233 with glycine.
Molecular consequence: missense variant.
Genome position (GRCh38, 1-based): chr5:80,670,215, A>G. VCF-style: chr5-80670215-A-G. GRCh37 (hg19) VCF-style: chr5-79966034-A-G.
Other names: short protein forms E233G.
Identifiers: ClinVar variation 3296279 (VCV003296279.1).